The following is an entry in ClinVar:

ClinVar aggregate classification (germline): Benign. Review status: criteria provided, multiple submitters, no conflicts (2 of 4 stars). 4 submissions from 4 submitters: Benign (4). Last evaluated 2026-02-03.

Conditions:
Retinitis pigmentosa (RP). Identifiers: Orphanet 791, MedGen C0035334, MeSH D012174, MONDO:0019200, OMIM 268000. Inheritance: Autosomal dominant, autosomal recessive and X linked inheritance.

Allele frequency attached by ClinVar (database versions not stated): ESP Exome Variant Server 0.00100; gnomAD exomes 0.00410 and 0.01456; gnomAD 0.00453 and 0.00521; TOPMed 0.01016; ExAC 0.01201; 1000 Genomes Project 30x 0.01312; 1000 Genomes Project 0.01438.
gnomAD v4.1: 6,720 of 1,613,714 alleles (0.42%); highest among the groups gnomAD compares: Admixed American, 7.2%; 276 homozygotes.

Submissions (14):

Labcorp Genetics (formerly Invitae), Labcorp
Classification: Benign. Last evaluated: 2026-02-03. Review status: criteria provided, single submitter. Criteria: Invitae Variant Classification Sherloc (09022015). Collection method: clinical testing. Allele origin: germline.

Illumina Laboratory Services, Illumina
Classification: Benign for Retinitis pigmentosa. Last evaluated: 2018-01-12. Review status: criteria provided, single submitter. Criteria: ICSL Variant Classification Criteria 13 December 2019. Collection method: clinical testing. Allele origin: germline.
Comment: This variant was observed in the ICSL laboratory as part of a predisposition screen in an ostensibly healthy population. It had not been previously curated by ICSL or reported in the Human Gene Mutation Database (HGMD: prior to June 1st, 2018), and was therefore a candidate for classification through an automated scoring system. Utilizing variant allele frequency, disease prevalence and penetrance estimates, and inheritance mode, an automated score was calculated to assess if this variant is too frequent to cause the disease. Based on the score and internal cut-off values, a variant classified as benign is not then subjected to further curation. The score for this variant resulted in a classification of benign for this disease.

Eurofins Ntd Llc (ga)
Classification: Benign. Last evaluated: 2014-06-02. Review status: criteria provided, single submitter. Criteria: EGL Classification Definitions 2015. Collection method: clinical testing. Allele origin: germline. Observed: 1 variant allele, 1 heterozygote.

Breakthrough Genomics
Classification: Benign. Review status: criteria provided, single submitter. Criteria: ACMG Guidelines, 2015. Collection method: not provided. Allele origin: germline. Inheritance: Autosomal dominant inheritance. Affected: yes.

Dr. Peter K. Rogan Lab, Western University
No classification provided (evidence only). Condition: Clear cell carcinoma of kidney. Review status: no classification provided. Collection method: in vitro. Allele origin: not applicable. Functional consequence: retained intron. Not counted in ClinVar's aggregate classification.

Dr. Peter K. Rogan Lab, Western University
No classification provided (evidence only). Condition: Cervical cancer. Review status: no classification provided. Collection method: in vitro. Allele origin: not applicable. Functional consequence: retained intron. Not counted in ClinVar's aggregate classification.

Dr. Peter K. Rogan Lab, Western University
No classification provided (evidence only). Condition: Cervical cancer. Review status: no classification provided. Collection method: in vitro. Allele origin: not applicable. Functional consequence: retained intron. Not counted in ClinVar's aggregate classification.

Dr. Peter K. Rogan Lab, Western University
No classification provided (evidence only). Condition: Sarcoma. Review status: no classification provided. Collection method: in vitro. Allele origin: not applicable. Functional consequence: retained intron. Not counted in ClinVar's aggregate classification.

Dr. Peter K. Rogan Lab, Western University
No classification provided (evidence only). Condition: Hepatocellular carcinoma. Review status: no classification provided. Collection method: in vitro. Allele origin: not applicable. Functional consequence: retained intron. Not counted in ClinVar's aggregate classification.

Dr. Peter K. Rogan Lab, Western University
No classification provided (evidence only). Condition: Thymoma. Review status: no classification provided. Collection method: in vitro. Allele origin: not applicable. Functional consequence: retained intron. Not counted in ClinVar's aggregate classification.

Dr. Peter K. Rogan Lab, Western University
No classification provided (evidence only). Condition: Cholangiocarcinoma. Review status: no classification provided. Collection method: in vitro. Allele origin: not applicable. Functional consequence: retained intron. Not counted in ClinVar's aggregate classification.

Dr. Peter K. Rogan Lab, Western University
No classification provided (evidence only). Condition: Gastric cancer. Review status: no classification provided. Collection method: in vitro. Allele origin: not applicable. Functional consequence: retained intron. Not counted in ClinVar's aggregate classification.

Dr. Peter K. Rogan Lab, Western University
No classification provided (evidence only). Condition: Gastric cancer. Review status: no classification provided. Collection method: in vitro. Allele origin: not applicable. Functional consequence: retained intron. Not counted in ClinVar's aggregate classification.

Dr. Peter K. Rogan Lab, Western University
No classification provided (evidence only). Condition: Malignant tumor of esophagus. Review status: no classification provided. Collection method: in vitro. Allele origin: not applicable. Functional consequence: retained intron. Not counted in ClinVar's aggregate classification.

NM_006445.4(PRPF8):c.101-3C>T

Gene: PRPF8 (pre-mRNA processing factor 8; minus strand). Cytogenetic location: 17p13.3.
Variant type: single nucleotide variant.
Coding change: c.101-3C>T on transcript NM_006445.4 (MANE Select); 3 bases into the intron before coding-DNA position 101, C replaced by T.
Molecular consequence: intron variant.
Genome position (GRCh38, 1-based): chr17:1,683,704, G>A on the plus strand (C>T on the coding strand, the complement: PRPF8 is on the minus strand). VCF-style: chr17-1683704-G-A. GRCh37 (hg19) VCF-style: chr17-1586998-G-A.
Identifiers: ClinVar variation 196436 (VCV000196436.18), dbSNP rs75670228, ClinGen allele CA202378.